The following is an entry in ClinVar:

NM_005476.7(GNE):c.1312A>G (p.Asn438Asp)

Gene: GNE (glucosamine (UDP-N-acetyl)-2-epimerase/N-acetylmannosamine kinase; minus strand). Cytogenetic location: 9p13.3.
Variant type: single nucleotide variant.
Coding change: c.1312A>G on transcript NM_005476.7 (MANE Select); coding-DNA position 1312, A replaced by G.
Protein change: p.Asn438Asp; replaces asparagine 438 with aspartic acid.
Molecular consequence: missense variant.
Genome position (GRCh38, 1-based): chr9:36,223,472, T>C on the plus strand (A>G on the coding strand, the complement: GNE is on the minus strand). VCF-style: chr9-36223472-T-C. GRCh37 (hg19) VCF-style: chr9-36223469-T-C.
Other names: c.1405A>G, p.Asn469Asp (NM_001128227.3); c.1312A>G, p.Asn438Asp (NM_001190383.3); c.982A>G, p.Asn328Asp (NM_001190384.3); c.1135A>G, p.Asn379Asp (NM_001190388.2, NM_001374798.1); c.1159A>G, p.Asn387Asp (NM_001374797.1); short protein forms N328D, N438D, N469D, N387D, N379D.
Identifiers: ClinVar variation 1052985 (VCV001052985.10), dbSNP rs2133024785, ClinGen allele CA373427937.
Genomic context (GRCh38, chr9:36,223,472, plus strand): 5'-CTGCAGCTTCCACACACATCTGTAGGATTAAATTAATCCTCTCTTCATAGGTTTTAGGAT[T>C]GAACTGAGTATACTTCTTAACTATTTCACCCTAAAAGAGAAAACAACAAGTTCCGTCTTA-3'
Protein context (NP_005467.1, residues 428-448): GEIVKKYTQF[Asn438Asp]PKTYEERINL

ClinVar aggregate classification (germline): Uncertain significance. Review status: criteria provided, single submitter (1 of 4 stars). 2 submissions from 2 submitters: Uncertain significance (1). 1 of the submissions does not count toward it. Last evaluated 2018-07-24.

Conditions:
GNE myopathy (NM). Also called: NONAKA DISTAL MYOPATHY; INCLUSION BODY MYOPATHY 2, AUTOSOMAL RECESSIVE; MYOPATHY, DISTAL, WITH OR WITHOUT RIMMED VACUOLES; INCLUSION BODY MYOPATHY, HEREDITARY, AUTOSOMAL RECESSIVE; IBM 2; Inclusion body myopathy autosomal recessive. Identifiers: Orphanet 602, MedGen C1853926, MONDO:0011603, OMIM 605820.
Sialuria. Also called: Sialic Acid Storage Disease; SIALURIA, FRENCH TYPE. Identifiers: Orphanet 3166, MedGen C0342853, MONDO:0010028, OMIM 269921.

Submissions (2):

Labcorp Genetics (formerly Invitae), Labcorp
Classification: Uncertain significance for Sialuria; GNE myopathy. Last evaluated: 2018-07-24. Review status: criteria provided, single submitter. Criteria: Invitae Variant Classification Sherloc (09022015). Collection method: clinical testing. Allele origin: germline.
Comment: This variant has not been reported in the literature in individuals with GNE-related disease. This sequence change replaces asparagine with aspartic acid at codon 469 of the GNE protein (p.Asn469Asp). The asparagine residue is highly conserved and there is a small physicochemical difference between asparagine and aspartic acid. This variant is not present in population databases (ExAC no frequency). Algorithms developed to predict the effect of missense changes on protein structure and function are either unavailable or do not agree on the potential impact of this missense change (SIFT: "Deleterious"; PolyPhen-2: "Benign"; Align-GVGD: "Class C15"). In summary, the available evidence is currently insufficient to determine the role of this variant in disease. Therefore, it has been classified as a Variant of Uncertain Significance.

Natera, Inc.
Classification: Uncertain significance for Nonaka myopathy. Last evaluated: 2020-04-27. Review status: no assertion criteria provided. Collection method: clinical testing. Allele origin: germline. Not counted in ClinVar's aggregate classification.